The following is an entry in ClinVar:

NM_006846.4(SPINK5):c.1733G>A (p.Arg578Gln)

Gene: SPINK5 (serine peptidase inhibitor Kazal type 5; plus strand). Cytogenetic location: 5q32.
Variant type: single nucleotide variant.
Coding change: c.1733G>A on transcript NM_006846.4 (MANE Select); coding-DNA position 1733, G replaced by A.
Protein change: p.Arg578Gln; replaces arginine 578 with glutamine.
Molecular consequence: missense variant.
Genome position (GRCh38, 1-based): chr5:148,111,808, G>A. VCF-style: chr5-148111808-G-A. GRCh37 (hg19) VCF-style: chr5-147491371-G-A.
Other names: c.1733G>A, p.Arg578Gln (NM_001127698.2, NM_001127699.2); short protein forms R578Q.
Identifiers: ClinVar variation 1924142 (VCV001924142.5), dbSNP rs1164247434, ClinGen allele CA361640582.
Genomic context (GRCh38, chr5:148,111,808, plus strand): 5'-GCTTCTGCTTCATTTGGCAGGAGCTGTGCAGTGAATATCGTCATTATGTGAGGAATGGAC[G>A]ACTCCCCTGTACCAGAGAGAATGATCCTATTGAGGGTCTAGATGGGAAAATCCACGGCAA-3'
Protein context (NP_006837.2, residues 568-588): SEYRHYVRNG[Arg578Gln]LPCTRENDPI

ClinVar aggregate classification (germline): Uncertain significance (1 of 4 stars; one submission).

Conditions:
Ichthyosis linearis circumflexa. Identifiers: MedGen C0265962, MONDO:0043106, HP:0025810.

Allele frequency attached by ClinVar (database versions not stated): gnomAD exomes below 0.00001.

Submission:

Labcorp Genetics (formerly Invitae), Labcorp
Classification: Uncertain significance for Ichthyosis linearis circumflexa. Last evaluated: 2022-04-29. Review status: criteria provided, single submitter. Criteria: Invitae Variant Classification Sherloc (09022015). Collection method: clinical testing. Allele origin: germline.
Comment: In summary, the available evidence is currently insufficient to determine the role of this variant in disease. Therefore, it has been classified as a Variant of Uncertain Significance. Algorithms developed to predict the effect of missense changes on protein structure and function output the following: SIFT: "Tolerated"; PolyPhen-2: "Benign"; Align-GVGD: "Class C0". The glutamine amino acid residue is found in multiple mammalian species, which suggests that this missense change does not adversely affect protein function. This variant has not been reported in the literature in individuals affected with SPINK5-related conditions. This variant is not present in population databases (gnomAD no frequency). This sequence change replaces arginine, which is basic and polar, with glutamine, which is neutral and polar, at codon 578 of the SPINK5 protein (p.Arg578Gln).